The following is an entry in ClinVar:

NM_000540.3(RYR1):c.11905C>T (p.Gln3969Ter)

Gene: RYR1 (ryanodine receptor 1; plus strand). Cytogenetic location: 19q13.2.
Variant type: single nucleotide variant.
Coding change: c.11905C>T on transcript NM_000540.3 (MANE Select); coding-DNA position 11905, C replaced by T.
Protein change: p.Gln3969Ter; replaces glutamine 3969 with a stop codon.
Molecular consequence: nonsense.
Genome position (GRCh38, 1-based): chr19:38,543,658, C>T. VCF-style: chr19-38543658-C-T. GRCh37 (hg19) VCF-style: chr19-39034298-C-T.
Other names: c.11890C>T, p.Gln3964Ter (NM_001042723.2); short protein forms Q3964*, Q3969*.
Identifiers: ClinVar variation 4758133 (VCV004758133.1).
Genomic context (GRCh38, chr19:38,543,658, plus strand): 5'-AACTTCTCCAAAGCCATGTCGGTGGCTAAGCAGGTGTTCAACAGCCTCACTGAGTACATC[C>T]AGGTAGGGCGCTCCCCCTGGGGCGGGAGTGGGAAGGGAGGGGGTCCCGCATCGTGATCCC-3'

ClinVar aggregate classification (germline): Uncertain significance (1 of 4 stars; one submission).

Conditions:
Malignant hyperthermia, susceptibility to, 1 (MHS1). Also called: RYR1-Related Malignant Hyperthermia Susceptibility; Malignant hyperthermia suceptibility 1; Anesthesia related hyperthermia; Malignant hyperpyrexia; Fulminating hyperpyrexia; Pharmacogenic myopathy. Identifiers: Orphanet 423, MedGen C2930980, MONDO:0007783, OMIM 145600.

gnomAD v4.1: 1 of 1,613,830 alleles (0.000062%); highest among the groups gnomAD compares: East Asian, 0.0022%; no homozygotes.

Submission:

Color Diagnostics, LLC DBA Color Health
Classification: Uncertain significance for Malignant hyperthermia, susceptibility to, 1. Last evaluated: 2025-10-21. Review status: criteria provided, single submitter. Criteria: ACMG Guidelines, 2015. Collection method: clinical testing. Allele origin: germline.
Comment: This variant changes 1 nucleotide in exon 86 of the RYR1 gene, creating a premature translation stop signal. This variant is expected to result in an absent or non-functional protein product. To our knowledge, this variant has not been reported in individuals affected with autosomal dominant malignant hyperthermia susceptibility in the literature. This variant has been identified in 1/1461486 chromosomes in the general population by the Genome Aggregation Database (gnomAD). Loss of RYR1 gene function due to haploinsufficiency is not an established disease mechanism for autosomal dominant malignant hyperthermia susceptibility. Therefore, this variant is classified as a Variant of Uncertain Significance.